The following is an entry in ClinVar:

ClinVar aggregate classification (germline): Conflicting classifications of pathogenicity. Review status: criteria provided, conflicting classifications (1 of 4 stars). 2 submissions from 2 submitters: Uncertain significance (1); Likely benign (1). Last evaluated 2023-03-23.

Conditions:
Hereditary breast ovarian cancer syndrome. Also called: Hereditary breast and/or ovarian cancer syndrome; Hereditary breast and ovarian cancer syndrome; Hereditary breast and ovarian cancer syndrome (HBOC); Breast and ovarian cancer; Hereditary breast and ovarian cancer; BRCA1- and BRCA2-Associated Hereditary Breast and Ovarian Cancer. Identifiers: Orphanet 145, MedGen C0677776, MeSH D061325, MONDO:0003582. Disease mechanism: loss of function.
Hereditary cancer-predisposing syndrome. Also called: Hereditary Cancer Syndrome; Tumor predisposition; Hereditary neoplastic syndrome; Neoplastic Syndromes, Hereditary. Identifiers: Orphanet 140162, MedGen C0027672, MeSH D009386, MONDO:0015356.

Submissions (2):

University of Washington Department of Laboratory Medicine, University of Washington
Classification: Likely benign for Hereditary cancer-predisposing syndrome. Last evaluated: 2023-03-23. Review status: criteria provided, single submitter. Criteria: Dines et al. (Genet Med. 2020). Collection method: curation. Allele origin: germline.
Comment: Missense variant in a coldspot region where missense variants are very unlikely to be pathogenic (PMID:31911673).

BRCA1 coldspot (exon 11 using historical exon numbering). Reclassification based on statistical prior probability

Labcorp Genetics (formerly Invitae), Labcorp
Classification: Uncertain significance for Hereditary breast ovarian cancer syndrome. Last evaluated: 2020-01-19. Review status: criteria provided, single submitter. Criteria: Invitae Variant Classification Sherloc (09022015). Collection method: clinical testing. Allele origin: germline.
Comment: In summary, the available evidence is currently insufficient to determine the role of this variant in disease. Therefore, it has been classified as a Variant of Uncertain Significance. Algorithms developed to predict the effect of missense changes on protein structure and function (SIFT, PolyPhen-2, Align-GVGD) all suggest that this variant is likely to be tolerated, but these predictions have not been confirmed by published functional studies and their clinical significance is uncertain. This variant has not been reported in the literature in individuals with BRCA1-related conditions. This variant is not present in population databases (ExAC no frequency). This sequence change replaces glycine with arginine at codon 543 of the BRCA1 protein (p.Gly543Arg). The glycine residue is moderately conserved and there is a moderate physicochemical difference between glycine and arginine.

NM_007294.4(BRCA1):c.1627G>C (p.Gly543Arg)

Gene: BRCA1 (BRCA1 DNA repair associated; minus strand). Cytogenetic location: 17q21.31.
Variant type: single nucleotide variant.
Coding change: c.1627G>C on transcript NM_007294.4 (MANE Select); coding-DNA position 1627, G replaced by C.
Protein change: p.Gly543Arg; replaces glycine 543 with arginine.
Molecular consequence: missense variant. On other transcripts: intron variant (137).
Genome position (GRCh38, 1-based): chr17:43,093,904, C>G on the plus strand (G>C on the coding strand, the complement: BRCA1 is on the minus strand). VCF-style: chr17-43093904-C-G. GRCh37 (hg19) VCF-style: chr17-41245921-C-G.
Other names: c.661+840G>C (NM_001408450.1, NM_001408434.1, NM_001408447.1 and 6 more transcripts); c.784+840G>C (NM_001408398.1, NM_001407992.1, NM_001408400.1 and 13 more transcripts); c.664+840G>C (NM_001408440.1, NM_001408428.1, NM_001408441.1 and 12 more transcripts); c.670+1942G>C (NM_001408418.1, NM_001408423.1, NM_001408420.1 and 2 more transcripts); c.787+840G>C (NM_001407981.1, NM_007298.4, NM_001407978.1 and 19 more transcripts); c.643+840G>C (NM_001408462.1, NM_001408470.1, NM_001408464.1 and 3 more transcripts); c.709+840G>C (NM_001408414.1, NM_001408411.1, NM_001408415.1 and 2 more transcripts); c.577+840G>C (NM_001408514.1, NM_001408485.1, NM_001408483.1 and 9 more transcripts); and 40 more; short protein forms G496R, G543R, G416R, G431R, G473R, G501R, G540R, G454R.
Identifiers: ClinVar variation 1056771 (VCV001056771.20), dbSNP rs2154433275, ClinGen allele CA10598785.